The following is an entry in ClinVar:

NM_182961.4(SYNE1):c.2810C>A (p.Ala937Glu)

Gene: SYNE1 (spectrin repeat containing nuclear envelope protein 1; minus strand). Cytogenetic location: 6q25.2.
Variant type: single nucleotide variant.
Coding change: c.2810C>A on transcript NM_182961.4 (MANE Select); coding-DNA position 2810, C replaced by A.
Protein change: p.Ala937Glu; replaces alanine 937 with glutamic acid.
Molecular consequence: missense variant.
Genome position (GRCh38, 1-based): chr6:152,455,508, G>T on the plus strand (C>A on the coding strand, the complement: SYNE1 is on the minus strand). VCF-style: chr6-152455508-G-T. GRCh37 (hg19) VCF-style: chr6-152776643-G-T.
Other names: c.2831C>A, p.Ala944Glu (NM_033071.5); short protein forms A937E, A944E.
Identifiers: ClinVar variation 2089583 (VCV002089583.4), dbSNP rs2502411767, ClinGen allele CA366110655.

ClinVar aggregate classification (germline): Uncertain significance (1 of 4 stars; one submission).

Conditions:
Emery-Dreifuss muscular dystrophy 4, autosomal dominant (EDMD4). Also called: EMERY-DREIFUSS MUSCULAR DYSTROPHY 4 WITH VARIABLE FEATURES. Identifiers: Orphanet 261, MedGen C2751807, MONDO:0013071, OMIM 612998.
Autosomal recessive ataxia, Beauce type. Also called: SYNE1 Deficiency; Spinocerebellar ataxia, autosomal recessive 8; ATAXIA, RECESSIVE, OF BEAUCE; SYNE1-Related Autosomal Recessive Cerebellar Ataxia. Identifiers: Orphanet 88644, MedGen C1853116, MONDO:0012549, OMIM 610743.

Submission:

Labcorp Genetics (formerly Invitae), Labcorp
Classification: Uncertain significance for Emery-Dreifuss muscular dystrophy 4, autosomal dominant; Autosomal recessive ataxia, Beauce type. Last evaluated: 2022-08-15. Review status: criteria provided, single submitter. Criteria: Invitae Variant Classification Sherloc (09022015). Collection method: clinical testing. Allele origin: germline.
Comment: This variant has not been reported in the literature in individuals affected with SYNE1-related conditions. This variant is not present in population databases (gnomAD no frequency). This sequence change replaces alanine, which is neutral and non-polar, with glutamic acid, which is acidic and polar, at codon 944 of the SYNE1 protein (p.Ala944Glu). In summary, the available evidence is currently insufficient to determine the role of this variant in disease. Therefore, it has been classified as a Variant of Uncertain Significance. Algorithms developed to predict the effect of missense changes on protein structure and function are either unavailable or do not agree on the potential impact of this missense change (SIFT: "Deleterious"; PolyPhen-2: "Benign"; Align-GVGD: "Class C0").